The following is an entry in ClinVar:

NM_201384.3(PLEC):c.6317A>G (p.Gln2106Arg)

Gene: PLEC (plectin; minus strand). Cytogenetic location: 8q24.3.
Variant type: single nucleotide variant.
Coding change: c.6317A>G on transcript NM_201384.3 (MANE Select); coding-DNA position 6317, A replaced by G.
Protein change: p.Gln2106Arg; replaces glutamine 2106 with arginine.
Molecular consequence: missense variant.
Genome position (GRCh38, 1-based): chr8:143,923,612, T>C on the plus strand (A>G on the coding strand, the complement: PLEC is on the minus strand). VCF-style: chr8-143923612-T-C. GRCh37 (hg19) VCF-style: chr8-144997780-T-C.
Other names: c.6398A>G, p.Gln2133Arg (NM_000445.5); c.6275A>G, p.Gln2092Arg (NM_201378.4); c.6251A>G, p.Gln2084Arg (NM_201379.3); c.6728A>G, p.Gln2243Arg (NM_201380.4); c.6221A>G, p.Gln2074Arg (NM_201381.3); c.6317A>G, p.Gln2106Arg (NM_201382.4); c.6329A>G, p.Gln2110Arg (NM_201383.3); c.6398A>G (NM_000445.3); short protein forms Q2084R, Q2092R, Q2106R, Q2074R, Q2243R, Q2110R, Q2133R.
Identifiers: ClinVar variation 1524443 (VCV001524443.8), dbSNP rs781986464, ClinGen allele CA4926043.

ClinVar aggregate classification (germline): Conflicting classifications of pathogenicity. Review status: criteria provided, conflicting classifications (1 of 4 stars). 3 submissions from 3 submitters: Uncertain significance (2); Likely benign (1). Last evaluated 2023-08-08.

Conditions:
Epidermolysis bullosa simplex 5B, with muscular dystrophy (EBS5B). Also called: EPIDERMOLYSIS BULLOSA SIMPLEX AND LIMB-GIRDLE MUSCULAR DYSTROPHY; Epidermolysis bullosa simplex with muscular dystrophy. Identifiers: Orphanet 257, MedGen C2931072, MONDO:0009181, OMIM 226670.
Epidermolysis bullosa simplex with nail dystrophy (EBS5D). Identifiers: MedGen C4225309, MONDO:0014661, OMIM 616487.
Junctional epidermolysis bullosa with pyloric atresia. Also called: APLASIA CUTIS CONGENITA WITH GASTROINTESTINAL ATRESIA; CARMI SYNDROME; EB-PA-ACC; Epidermolysis bullosa, junctional, with pyloric atresia and aplasia cutis congenita; Epidermolysis bullosa junctionalis with pyloric atresia; EPIDERMOLYSIS BULLOSA, JUNCTIONAL 5B, WITH PYLORIC ATRESIA. Identifiers: Orphanet 79403, MedGen C5676875, MONDO:0009183, OMIM 226730.
Epidermolysis bullosa simplex, Ogna type (EBS5A). Also called: Pidermolysis bullosa simplex 5A, Ogna type; EPIDERMOLYSIS BULLOSA SIMPLEX 5A, OGNA TYPE. Identifiers: Orphanet 79401, MedGen C0432317, MONDO:0007555, OMIM 131950.
Epidermolysis bullosa simplex 5C, with pyloric atresia (EBS5C). Also called: PLEC-Related Epidermolysis Bullosa with Pyloric Atresia; Epidermolysis bullosa simplex with pyloric atresia; PLEC1-Related Epidermolysis Bullosa with Pyloric Atresia. Identifiers: Orphanet 158684, MedGen C2677349, MONDO:0012807, OMIM 612138.
Autosomal recessive limb-girdle muscular dystrophy type 2Q (LGMDR17). Also called: MUSCULAR DYSTROPHY, LIMB-GIRDLE, AUTOSOMAL RECESSIVE 17. Identifiers: Orphanet 254361, MedGen C3150989, MONDO:0013390, OMIM 613723.

Allele frequency attached by ClinVar (database versions not stated): TOPMed below 0.00001; ExAC 0.00001; gnomAD 0.00001; gnomAD exomes 0.00001 and 0.00002.
gnomAD v4.1: 27 of 1,592,006 alleles (0.0017%); highest among the groups gnomAD compares: East Asian, 0.049%; no homozygotes.

Submissions (3):

GeneDx
Classification: Likely benign. Last evaluated: 2023-08-08. Review status: criteria provided, single submitter. Criteria: GeneDx Variant Classification Process June 2021. Collection method: clinical testing. Allele origin: germline. Affected: yes.
Comment: See Variant Classification Assertion Criteria.

Labcorp Genetics (formerly Invitae), Labcorp
Classification: Uncertain significance for Autosomal recessive limb-girdle muscular dystrophy type 2Q; Epidermolysis bullosa simplex, Ogna type; Epidermolysis bullosa simplex with nail dystrophy; Epidermolysis bullosa simplex 5C, with pyloric atresia; Epidermolysis bullosa simplex 5B, with muscular dystrophy. Last evaluated: 2022-12-30. Review status: criteria provided, single submitter. Criteria: Invitae Variant Classification Sherloc (09022015). Collection method: clinical testing. Allele origin: germline.
Comment: This variant has not been reported in the literature in individuals affected with PLEC-related conditions. In summary, the available evidence is currently insufficient to determine the role of this variant in disease. Therefore, it has been classified as a Variant of Uncertain Significance. Algorithms developed to predict the effect of missense changes on protein structure and function output the following: SIFT: "Tolerated"; PolyPhen-2: "Benign"; Align-GVGD: "Class C0". The arginine amino acid residue is found in multiple mammalian species, which suggests that this missense change does not adversely affect protein function. ClinVar contains an entry for this variant (Variation ID: 1524443). This variant is present in population databases (rs781986464, gnomAD 0.02%). This sequence change replaces glutamine, which is neutral and polar, with arginine, which is basic and polar, at codon 2133 of the PLEC protein (p.Gln2133Arg).

Department of Pathology and Laboratory Medicine, Sinai Health System
Classification: Uncertain significance for Epidermolysis bullosa simplex, Ogna type; Epidermolysis bullosa simplex 5B, with muscular dystrophy; Junctional epidermolysis bullosa with pyloric atresia; Epidermolysis bullosa simplex 5C, with pyloric atresia; Autosomal recessive limb-girdle muscular dystrophy type 2Q; Epidermolysis bullosa simplex with nail dystrophy. Last evaluated: 2022-05-10. Review status: criteria provided, single submitter. Criteria: ACMG Guidelines, 2015. Collection method: research. Allele origin: germline.